The following is an entry in ClinVar:

ClinVar aggregate classification (germline): Benign (1 of 4 stars; one submission).

Conditions:
Familial cancer of breast. Also called: hereditary breast carcinoma; Hereditary breast cancer; BREAST CANCER, FAMILIAL. Identifiers: Orphanet 227535, MedGen C0346153, MONDO:0016419, OMIM 114480. Disease mechanism: loss of function.

Submission:

Myriad Genetics, Inc.
Classification: Benign for Familial cancer of breast. Last evaluated: 2024-07-26. Review status: criteria provided, single submitter. Criteria: Myriad Autosomal Dominant, Autosomal Recessive and X-Linked Classification Criteria (2023). Collection method: clinical testing. Allele origin: unknown.
Comment: This variant is considered benign. This variant is a silent/synonymous amino acid change and it is not expected to impact splicing.

NM_000465.4(BARD1):c.1716T>A (p.Leu572=)

Gene: BARD1 (BRCA1 associated RING domain 1; minus strand). Cytogenetic location: 2q35.
Variant type: single nucleotide variant.
Coding change: c.1716T>A on transcript NM_000465.4 (MANE Select); coding-DNA position 1716, T replaced by A.
Protein change: p.Leu572=; no amino-acid change (leucine 572 retained).
Molecular consequence: synonymous variant. On other transcripts: non-coding transcript variant (3), intron variant (1).
Genome position (GRCh38, 1-based): chr2:214,745,816, A>T on the plus strand (T>A on the coding strand, the complement: BARD1 is on the minus strand). VCF-style: chr2-214745816-A-T. GRCh37 (hg19) VCF-style: chr2-215610540-A-T.
Other names: c.1659T>A, p.Leu553= (NM_001282543.2); c.363T>A, p.Leu121= (NM_001282545.2); c.306T>A, p.Leu102= (NM_001282548.2); c.365-15308T>A (NM_001282549.2).
Identifiers: ClinVar variation 3378754 (VCV003378754.1).